The following is an entry in ClinVar:

NM_144643.4(SCLT1):c.211A>C (p.Asn71His)

Gene: SCLT1 (sodium channel and clathrin linker 1; minus strand). Cytogenetic location: 4q28.2.
Variant type: single nucleotide variant.
Coding change: c.211A>C on transcript NM_144643.4 (MANE Select); coding-DNA position 211, A replaced by C.
Protein change: p.Asn71His; replaces asparagine 71 with histidine.
Molecular consequence: missense variant.
Genome position (GRCh38, 1-based): chr4:129,043,418, T>G on the plus strand (A>C on the coding strand, the complement: SCLT1 is on the minus strand). VCF-style: chr4-129043418-T-G. GRCh37 (hg19) VCF-style: chr4-129964573-T-G.
Other names: c.211A>C, p.Asn71His (NM_001300897.2, NM_001300898.2); c.211A>C (NM_144643.3); short protein forms N71H.
Identifiers: ClinVar variation 1380075 (VCV001380075.8), dbSNP rs1747884563, ClinGen allele CA358187591.

ClinVar aggregate classification (germline): Uncertain significance. Review status: criteria provided, multiple submitters, no conflicts (2 of 4 stars). 2 submissions from 2 submitters: Uncertain significance (2). Last evaluated 2025-02-18.

Conditions:
SCLT1-related disorder. Also called: SCLT1-related condition.

Allele frequency attached by ClinVar (database versions not stated): gnomAD exomes below 0.00001.
gnomAD v4.1: 1 of 1,542,924 alleles (0.000065%); highest among the groups gnomAD compares: Non-Finnish European, 0.000089%; no homozygotes.

Submissions (2):

PreventionGenetics, part of Exact Sciences
Classification: Uncertain significance for SCLT1-related condition. Last evaluated: 2025-02-18. Review status: criteria provided, single submitter. Criteria: ACMG Guidelines, 2015. Collection method: clinical testing. Allele origin: germline.
Comment: The SCLT1 c.211A>C variant is predicted to result in the amino acid substitution p.Asn71His. To our knowledge, this variant has not been reported in the literature or in a large population database (gnomAD), indicating this variant is rare. At this time, the clinical significance of this variant is uncertain due to the absence of conclusive functional and genetic evidence.

Labcorp Genetics (formerly Invitae), Labcorp
Classification: Uncertain significance. Last evaluated: 2024-10-26. Review status: criteria provided, single submitter. Criteria: Invitae Variant Classification Sherloc (09022015). Collection method: clinical testing. Allele origin: germline.
Comment: This sequence change replaces asparagine, which is neutral and polar, with histidine, which is basic and polar, at codon 71 of the SCLT1 protein (p.Asn71His). This variant is not present in population databases (gnomAD no frequency). This variant has not been reported in the literature in individuals affected with SCLT1-related conditions. ClinVar contains an entry for this variant (Variation ID: 1380075). An algorithm developed to predict the effect of missense changes on protein structure and function (PolyPhen-2) suggests that this variant is likely to be disruptive. In summary, the available evidence is currently insufficient to determine the role of this variant in disease. Therefore, it has been classified as a Variant of Uncertain Significance.